The following is an entry in ClinVar:

ClinVar aggregate classification (germline): Likely pathogenic (1 of 4 stars; one submission).

Conditions:
Arrhythmogenic right ventricular dysplasia 10. Also called: Arrhythmogenic Right Ventricular Dysplasia/Cardiomyopathy10; ARRHYTHMOGENIC RIGHT VENTRICULAR DYSPLASIA, FAMILIAL, 10; Arrhythmogenic right ventricular dysplasia/cardiomyopathy, type 10. Identifiers: MedGen C1857777, MONDO:0012434, OMIM 610193.

Submission:

OLLIN Analises Genomicas, OLLIN
Classification: Likely pathogenic for Arrhythmogenic right ventricular dysplasia 10. Last evaluated: 2026-08-06. Review status: criteria provided, single submitter. Criteria: ACMG Guidelines 2015 PMID 25741868. Collection method: clinical testing. Allele origin: germline. Inheritance: Autosomal dominant inheritance.
Comment: This nonsense variant, located in exon 1 (of 15), is absent from gnomAD and ClinVar and has not been identified in the literature. This variant introduces a premature stop codon, which is predicted to result in either a truncated protein or degradation of the mRNA via nonsense-mediated decay (NMD). According to the currently available evidence, this variant has been classified as likely pathogenic (PVS1, PM2_P).

NM_001943.5(DSG2):c.27C>G (p.Tyr9Ter)

Genes: DSG2 (desmoglein 2; plus strand), LOC130062340 (ATAC-STARR-seq lymphoblastoid silent region 9384; plus strand). Cytogenetic location: 18q12.1.
Variant type: single nucleotide variant.
Coding change: c.27C>G on transcript NM_001943.5 (MANE Select); coding-DNA position 27, C replaced by G.
Protein change: p.Tyr9Ter; replaces tyrosine 9 with a stop codon.
Molecular consequence: nonsense.
Genome position (GRCh38, 1-based): chr18:31,498,278, C>G. VCF-style: chr18-31498278-C-G. GRCh37 (hg19) VCF-style: chr18-29078241-C-G.
Other names: short protein forms Y9*.
Identifiers: ClinVar variation 5003125 (VCV005003125.1).